The following is an entry in ClinVar:

NM_031220.4(PITPNM3):c.826A>G (p.Ile276Val)

Gene: PITPNM3 (PITPNM family member 3; minus strand). Cytogenetic location: 17p13.2.
Variant type: single nucleotide variant.
Coding change: c.826A>G on transcript NM_031220.4 (MANE Select); coding-DNA position 826, A replaced by G.
Protein change: p.Ile276Val; replaces isoleucine 276 with valine.
Molecular consequence: missense variant.
Genome position (GRCh38, 1-based): chr17:6,478,049, T>C on the plus strand (A>G on the coding strand, the complement: PITPNM3 is on the minus strand). VCF-style: chr17-6478049-T-C. GRCh37 (hg19) VCF-style: chr17-6381369-T-C.
Other names: c.718A>G, p.Ile240Val (NM_001165966.2); short protein forms I276V, I240V.
Identifiers: ClinVar variation 867099 (VCV000867099.11), dbSNP rs949951182, ClinGen allele CA287320292.

ClinVar aggregate classification (germline): Uncertain significance. Review status: criteria provided, multiple submitters, no conflicts (2 of 4 stars). 3 submissions from 3 submitters: Uncertain significance (3). Last evaluated 2025-05-18.

Allele frequency attached by ClinVar (database versions not stated): gnomAD exomes 0.00001; gnomAD 0.00004 and 0.00005; TOPMed 0.00005.
gnomAD v4.1: 15 of 1,613,666 alleles (0.00093%); highest among the groups gnomAD compares: African/African-American, 0.017%; no homozygotes.

Submissions (3):

Ambry Genetics
Classification: Uncertain significance. Last evaluated: 2025-05-18. Review status: criteria provided, single submitter. Criteria: Ambry Variant Classification Scheme 2023. Collection method: clinical testing. Allele origin: germline.

Labcorp Genetics (formerly Invitae), Labcorp
Classification: Uncertain significance. Last evaluated: 2024-11-11. Review status: criteria provided, single submitter. Criteria: Invitae Variant Classification Sherloc (09022015). Collection method: clinical testing. Allele origin: germline.
Comment: This sequence change replaces isoleucine, which is neutral and non-polar, with valine, which is neutral and non-polar, at codon 276 of the PITPNM3 protein (p.Ile276Val). This variant is present in population databases (no rsID available, gnomAD 0.007%). This variant has not been reported in the literature in individuals affected with PITPNM3-related conditions. ClinVar contains an entry for this variant (Variation ID: 867099). Invitae Evidence Modeling of protein sequence and biophysical properties (such as structural, functional, and spatial information, amino acid conservation, physicochemical variation, residue mobility, and thermodynamic stability) indicates that this missense variant is not expected to disrupt PITPNM3 protein function with a negative predictive value of 80%. In summary, the available evidence is currently insufficient to determine the role of this variant in disease. Therefore, it has been classified as a Variant of Uncertain Significance.

Blueprint Genetics
Classification: Uncertain significance. Last evaluated: 2023-06-16. Review status: criteria provided, single submitter. Criteria: ACMG Guidelines, 2015. Collection method: clinical testing. Allele origin: germline.